The following is an entry in ClinVar:

NM_001042603.3(KDM5A):c.1569C>T (p.Pro523=)

Gene: KDM5A (lysine demethylase 5A; minus strand). Cytogenetic location: 12p13.33.
Variant type: single nucleotide variant.
Coding change: c.1569C>T on transcript NM_001042603.3 (MANE Select); coding-DNA position 1569, C replaced by T.
Protein change: p.Pro523=; no amino-acid change (proline 523 retained).
Molecular consequence: synonymous variant.
Genome position (GRCh38, 1-based): chr12:333,571, G>A on the plus strand (C>T on the coding strand, the complement: KDM5A is on the minus strand). VCF-style: chr12-333571-G-A. GRCh37 (hg19) VCF-style: chr12-442737-G-A.
Identifiers: ClinVar variation 4821667 (VCV004821667.4).

ClinVar aggregate classification (germline): Likely benign (1 of 4 stars; one submission).

gnomAD v4.1: 54 of 1,614,006 alleles (0.0033%); highest among the groups gnomAD compares: African/African-American, 0.02%; no homozygotes.

Submission:

CeGaT Center for Human Genetics Tuebingen
Classification: Likely benign. Last evaluated: 2026-03-01. Review status: criteria provided, single submitter. Criteria: CeGaT Center For Human Genetics Tuebingen Variant Classification Criteria Version 2. Collection method: clinical testing. Allele origin: germline. Affected: yes. Observed: 1 variant allele.
Comment: KDM5A: BP4, BP7